The following is an entry in ClinVar:

ClinVar aggregate classification (germline): Pathogenic (1 of 4 stars; one submission).

Conditions:
UBE2H-related disorder. Also called: UBE2H-related condition.

Submission:

3billion
Classification: Pathogenic for UBE2H-related disorder. Last evaluated: 2026-01-23. Review status: criteria provided, single submitter. Criteria: ACMG Guidelines, 2015. Collection method: clinical testing. Allele origin: germline. Affected: yes.
Comment: The variant is not observed in the gnomAD v4.1.0 dataset. Predicted Consequence/Location: Missense variant. Missense changes are a common disease-causing mechanism. Functional studies provide moderate evidence of the variant having a damaging effect on the gene or gene product (PMID: 37208785). The same nucleotide change resulting in the same amino acid change has been previously reported to be associated with UBE2H-related disorder (PMID: 37208785).The variant has been previously reported as de novo in a similarly affected individual (PMID: 37208785). Therefore, this variant is classified as Pathogenic according to the recommendation of ACMG/AMP guideline.

Literature cited by the submitters: PubMed 37208785.

NM_003344.4(UBE2H):c.449C>T (p.Thr150Met)

Gene: UBE2H (ubiquitin conjugating enzyme E2 H; minus strand). Cytogenetic location: 7q32.2.
Variant type: single nucleotide variant.
Coding change: c.449C>T on transcript NM_003344.4 (MANE Select); coding-DNA position 449, C replaced by T.
Protein change: p.Thr150Met; replaces threonine 150 with methionine.
Molecular consequence: missense variant.
Genome position (GRCh38, 1-based): chr7:129,835,040, G>A on the plus strand (C>T on the coding strand, the complement: UBE2H is on the minus strand). VCF-style: chr7-129835040-G-A. GRCh37 (hg19) VCF-style: chr7-129474880-G-A.
Other names: c.239C>T, p.Thr80Met (NM_001202498.2); c.356C>T, p.Thr119Met (NM_182697.3); short protein forms T119M, T150M, T80M.
Identifiers: ClinVar variation 4856115 (VCV004856115.1).